The following is an entry in ClinVar:

ClinVar aggregate classification (germline): Uncertain significance (1 of 4 stars; one submission).

Conditions:
Long QT syndrome (LQTS). Identifiers: MedGen C0023976, MeSH D008133, MONDO:0002442. Disease mechanism: loss of function. Inheritance: Various modes of inheritance.

gnomAD v4.1: 3 of 1,613,868 alleles (0.00019%); highest among the groups gnomAD compares: Non-Finnish European, 0.00025%; no homozygotes.

Submission:

Labcorp Genetics (formerly Invitae), Labcorp
Classification: Uncertain significance for Long QT syndrome. Last evaluated: 2024-09-02. Review status: criteria provided, single submitter. Criteria: Invitae Variant Classification Sherloc (09022015). Collection method: clinical testing. Allele origin: germline.
Comment: This sequence change replaces glycine, which is neutral and non-polar, with arginine, which is basic and polar, at codon 2492 of the AKAP9 protein (p.Gly2492Arg). This variant is not present in population databases (gnomAD no frequency). This variant has not been reported in the literature in individuals affected with AKAP9-related conditions. An algorithm developed to predict the effect of missense changes on protein structure and function (PolyPhen-2) suggests that this variant is likely to be tolerated. In summary, the available evidence is currently insufficient to determine the role of this variant in disease. Therefore, it has been classified as a Variant of Uncertain Significance.

NM_005751.5(AKAP9):c.7474G>C (p.Gly2492Arg)

Gene: AKAP9 (A-kinase anchoring protein 9; plus strand). Cytogenetic location: 7q21.2.
Variant type: single nucleotide variant.
Coding change: c.7474G>C on transcript NM_005751.5 (MANE Select); coding-DNA position 7474, G replaced by C.
Protein change: p.Gly2492Arg; replaces glycine 2492 with arginine.
Molecular consequence: missense variant.
Genome position (GRCh38, 1-based): chr7:92,079,607, G>C. VCF-style: chr7-92079607-G-C. GRCh37 (hg19) VCF-style: chr7-91708921-G-C.
Other names: c.2119G>C, p.Gly707Arg (NM_001379277.1); c.7450G>C, p.Gly2484Arg (NM_147185.3); short protein forms G2484R, G2492R, G707R.
Identifiers: ClinVar variation 3695346 (VCV003695346.2).